The following is an entry in ClinVar:

NM_000053.4(ATP7B):c.3035G>A (p.Gly1012Asp)

Gene: ATP7B (ATPase copper transporting beta; minus strand). Cytogenetic location: 13q14.3.
Variant type: single nucleotide variant.
Coding change: c.3035G>A on transcript NM_000053.4 (MANE Select); coding-DNA position 3035, G replaced by A.
Protein change: p.Gly1012Asp; replaces glycine 1012 with aspartic acid.
Molecular consequence: missense variant. On other transcripts: intron variant (6).
Genome position (GRCh38, 1-based): chr13:51,946,309, C>T on the plus strand (G>A on the coding strand, the complement: ATP7B is on the minus strand). VCF-style: chr13-51946309-C-T. GRCh37 (hg19) VCF-style: chr13-52520445-C-T.
Other names: c.2414G>A, p.Gly805Asp (NM_001005918.3); c.2702G>A, p.Gly901Asp (NM_001243182.2); c.2801G>A, p.Gly934Asp (NM_001330578.2, NM_001406527.1, NM_001406528.1 and 1 more transcripts); c.2783G>A, p.Gly928Asp (NM_001330579.2, NM_001406531.1, NM_001406532.1); c.3035G>A, p.Gly1012Asp (NM_001406511.1, NM_001406512.1, NM_001406513.1 and 2 more transcripts); c.3002G>A, p.Gly1001Asp (NM_001406514.1); c.2981G>A, p.Gly994Asp (NM_001406515.1, NM_001406516.1); c.2939G>A, p.Gly980Asp (NM_001406517.1, NM_001406518.1); and 18 more; short protein forms G1001D, G1012D, G582D, G796D, G805D, G818D, G850D, G869D.
Identifiers: ClinVar variation 3339115 (VCV003339115.1).
Genomic context (GRCh38, chr13:51,946,309, plus strand): 5'-CTCTCAGGATGGGGAAAGCCGTGCTACAGGCTGACCTTGTGCGCCATCTCCAGGGGCTTG[C>T]CTCCCTTGATGAGGATGCCGTTCTGCGCGGCCACCCCGGTGCCCACCATGACAGCCGTGG-3'
Protein context (NP_000044.2, residues 1002-1022): AAQNGILIKG[Gly1012Asp]KPLEMAHKIK

ClinVar aggregate classification (germline): Uncertain significance (1 of 4 stars; one submission).

Submission:

Women's Health and Genetics/Laboratory Corporation of America, LabCorp
Classification: Uncertain significance. Last evaluated: 2024-07-05. Review status: criteria provided, single submitter. Criteria: LabCorp Variant Classification Summary - May 2015. Collection method: clinical testing. Allele origin: germline.
Comment: Variant summary: ATP7B c.3035G>A (p.Gly1012Asp) results in a non-conservative amino acid change located in the P-type ATPase, haloacid dehalogenase domain (IPR044492) of the encoded protein sequence. Five of five in-silico tools predict a damaging effect of the variant on protein function. The variant was absent in 221842 control chromosomes. The available data on variant occurrences in the general population are insufficient to allow any conclusion about variant significance. To our knowledge, no occurrence of c.3035G>A in individuals affected with Wilson Disease and no experimental evidence demonstrating its impact on protein function have been reported. No submitters have cited clinical-significance assessments for this variant to ClinVar. Based on the evidence outlined above, the variant was classified as uncertain significance.